The following is an entry in ClinVar:

ClinVar aggregate classification (germline): Uncertain significance (1 of 4 stars; one submission).

Conditions:
Inborn genetic diseases. Identifiers: MedGen C0950123, MeSH D030342.

gnomAD v4.1: 5 of 1,612,866 alleles (0.00031%); highest among the groups gnomAD compares: Non-Finnish European, 0.00042%; no homozygotes.

Submission:

Ambry Genetics
Classification: Uncertain significance for Inborn genetic diseases. Last evaluated: 2025-02-23. Review status: criteria provided, single submitter. Criteria: Ambry Variant Classification Scheme 2023. Collection method: clinical testing. Allele origin: germline.
Comment: The p.P575S variant (also known as c.1723C>T), located in coding exon 14 of the BUB1B gene, results from a C to T substitution at nucleotide position 1723. The proline at codon 575 is replaced by serine, an amino acid with similar properties. This amino acid position is conserved. In addition, this alteration is predicted to be tolerated by in silico analysis. Based on the available evidence, the clinical significance of this variant remains unclear.

NM_001211.6(BUB1B):c.1723C>T (p.Pro575Ser)

Gene: BUB1B (BUB1 mitotic checkpoint serine/threonine kinase B; plus strand). Cytogenetic location: 15q15.1.
Variant type: single nucleotide variant.
Coding change: c.1723C>T on transcript NM_001211.6 (MANE Select); coding-DNA position 1723, C replaced by T.
Protein change: p.Pro575Ser; replaces proline 575 with serine.
Molecular consequence: missense variant.
Genome position (GRCh38, 1-based): chr15:40,202,683, C>T. VCF-style: chr15-40202683-C-T. GRCh37 (hg19) VCF-style: chr15-40494884-C-T.
Other names: short protein forms P575S.
Identifiers: ClinVar variation 3826125 (VCV003826125.1).